The following is an entry in ClinVar:

ClinVar aggregate classification (germline): Uncertain significance. Review status: criteria provided, multiple submitters, no conflicts (2 of 4 stars). 8 submissions from 8 submitters: Uncertain significance (6). 2 of the submissions do not count toward it. Last evaluated 2025-11-03.

Conditions:
Inborn genetic diseases. Identifiers: MedGen C0950123, MeSH D030342.
NPC2-related disorder. Also called: NPC2-related condition.
Niemann-Pick disease, type C2 (NPC2). Identifiers: Orphanet 646, MedGen C1843366, MONDO:0011873, OMIM 607625.
Niemann-Pick disease, type C1. Also called: NEUROVISCERAL STORAGE DISEASE WITH VERTICAL SUPRANUCLEAR OPHTHALMOPLEGIA; NIEMANN-PICK DISEASE WITH CHOLESTEROL ESTERIFICATION BLOCK; NIEMANN-PICK DISEASE WITHOUT SPHINGOMYELINASE DEFICIENCY; NIEMANN-PICK DISEASE, CHRONIC NEURONOPATHIC FORM; NIEMANN-PICK DISEASE, VARIANT TYPE C1. Identifiers: Orphanet 646, MedGen C3179455, MONDO:0009757, OMIM 257220.

Allele frequency attached by ClinVar (database versions not stated): 1000 Genomes Project 30x 0.00016; 1000 Genomes Project 0.00020; gnomAD 0.00027 and 0.00031; TOPMed 0.00035; ESP Exome Variant Server 0.00015; gnomAD exomes 0.00039 and 0.00040; ExAC 0.00040.
gnomAD v4.1: 624 of 1,614,042 alleles (0.039%); highest among the groups gnomAD compares: Non-Finnish European, 0.048%; no homozygotes.

Submissions (8):

Women's Health and Genetics/Laboratory Corporation of America, LabCorp
Classification: Uncertain significance. Last evaluated: 2025-11-03. Review status: criteria provided, single submitter. Criteria: LabCorp Variant Classification Summary - May 2015. Collection method: clinical testing. Allele origin: germline.
Comment: Variant summary: NPC2 c.212A>G (p.Lys71Arg) results in a conservative amino acid change in the encoded protein sequence. Algorithms developed to predict the effect of missense changes on protein structure and function are either unavailable or do not agree on the potential impact of this missense change. The variant allele was found at a frequency of 0.00039 in 251470 control chromosomes. This frequency is not significantly higher than estimated for disease-causing variants in NPC2, allowing no conclusion about variant significance. c.212A>G has been observed in one individual affected with Alzheimer's disease, as well as in one control subject (Sorrentino_2021). These report(s) do not provide unequivocal conclusions about association of the variant with Niemann-Pick disease, type C2. To our knowledge, no experimental evidence demonstrating an impact on protein function has been reported. The following publication has been ascertained in the context of this evaluation (PMID: 34420959). ClinVar contains an entry for this variant (Variation ID: 314239). Based on the evidence outlined above, the variant was classified as uncertain significance.

GeneDx
Classification: Uncertain significance. Last evaluated: 2025-10-21. Review status: criteria provided, single submitter. Criteria: GeneDx Variant Classification Process June 2021. Collection method: clinical testing. Allele origin: germline. Affected: yes.
Comment: Has not been previously reported as pathogenic in association with Niemann-Pick disease type C or as benign to our knowledge; In silico analysis suggests that this missense variant does not alter protein structure/function; This variant is associated with the following publications: (PMID: 24386122, 25764212, 33990640, 34420959)

Ambry Genetics
Classification: Uncertain significance for Inborn genetic diseases. Last evaluated: 2025-04-25. Review status: criteria provided, single submitter. Criteria: Ambry Variant Classification Scheme 2023. Collection method: clinical testing. Allele origin: germline.
Comment: The c.212A>G (p.K71R) alteration is located in coding exon 3 of the NPC2 gene. This alteration results from an A to G substitution at nucleotide position 212, causing the lysine (K) at amino acid position 71 to be replaced by an arginine (R). Based on data from the Genome Aggregation Database (gnomAD) database, the NPC2 c.212A>G alteration was observed in 0.04% (103/282776) of total alleles studied, with a frequency of 0.08% (27/35434) in the Latino subpopulation. In a cohort of German patients with age-related neurodegenerative disorders, this variant was detected in once case; no second allele in NPC2 was identified and the variant was also present in one control (Zech, 2013). This amino acid position is not well conserved in available vertebrate species. The p.K71R alteration is predicted to be tolerated by in silico analysis. Based on insufficient or conflicting evidence, the clinical significance of this alteration remains unclear.

Labcorp Genetics (formerly Invitae), Labcorp
Classification: Uncertain significance for Niemann-Pick disease, type C2. Last evaluated: 2022-08-25. Review status: criteria provided, single submitter. Criteria: Invitae Variant Classification Sherloc (09022015). Collection method: clinical testing. Allele origin: germline.
Comment: This sequence change replaces lysine, which is basic and polar, with arginine, which is basic and polar, at codon 71 of the NPC2 protein (p.Lys71Arg). This variant is present in population databases (rs142075589, gnomAD 0.06%). This variant has not been reported in the literature in individuals affected with NPC2-related conditions. ClinVar contains an entry for this variant (Variation ID: 314239). Algorithms developed to predict the effect of missense changes on protein structure and function are either unavailable or do not agree on the potential impact of this missense change (SIFT: "Tolerated"; PolyPhen-2: "Possibly Damaging"; Align-GVGD: "Class C0"). In summary, the available evidence is currently insufficient to determine the role of this variant in disease. Therefore, it has been classified as a Variant of Uncertain Significance.

Illumina Laboratory Services, Illumina
Classification: Uncertain significance for Niemann-Pick disease type C1. Last evaluated: 2018-01-13. Review status: criteria provided, single submitter. Criteria: ICSL Variant Classification Criteria 13 December 2019. Collection method: clinical testing. Allele origin: germline.

Eurofins Ntd Llc (ga)
Classification: Uncertain significance. Last evaluated: 2017-12-26. Review status: criteria provided, single submitter. Criteria: EGL Classification Definitions 2015. Collection method: clinical testing. Allele origin: germline. Observed: 2 variant alleles, 2 heterozygotes.

PreventionGenetics, part of Exact Sciences
Classification: Likely benign for NPC2-related condition. Last evaluated: 2024-06-13. Review status: no assertion criteria provided. Collection method: clinical testing. Allele origin: germline. Not counted in ClinVar's aggregate classification.
Comment: This variant is classified as likely benign based on ACMG/AMP sequence variant interpretation guidelines (Richards et al. 2015 PMID: 25741868, with internal and published modifications).

Natera, Inc.
Classification: Uncertain significance for Niemann-Pick disease type C2. Last evaluated: 2020-09-16. Review status: no assertion criteria provided. Collection method: clinical testing. Allele origin: germline. Not counted in ClinVar's aggregate classification.

Literature cited by the submitters: PubMed 34420959 (cited by Women's Health and Genetics/Laboratory Corporation of America, LabCorp); PubMed 24386122 (cited by Ambry Genetics).

NM_006432.5(NPC2):c.212A>G (p.Lys71Arg)

Gene: NPC2 (NPC intracellular cholesterol transporter 2; minus strand). Cytogenetic location: 14q24.3.
Variant type: single nucleotide variant.
Coding change: c.212A>G on transcript NM_006432.5 (MANE Select); coding-DNA position 212, A replaced by G.
Protein change: p.Lys71Arg; replaces lysine 71 with arginine.
Molecular consequence: missense variant.
Genome position (GRCh38, 1-based): chr14:74,484,566, T>C on the plus strand (A>G on the coding strand, the complement: NPC2 is on the minus strand). VCF-style: chr14-74484566-T-C. GRCh37 (hg19) VCF-style: chr14-74951269-T-C.
Other names: c.212A>G, p.Lys71Arg (NM_001363688.1, NM_001375440.1); short protein forms K71R.
Identifiers: ClinVar variation 314239 (VCV000314239.19), dbSNP rs142075589, ClinGen allele CA7268167.